The following is an entry in ClinVar:

NM_000038.6(APC):c.875del (p.Val291_Leu292insTer)

Gene: APC (APC regulator of Wnt signaling pathway; plus strand). Cytogenetic location: 5q22.2.
Variant type: Deletion.
Coding change: c.875del on transcript NM_000038.6 (MANE Select); coding-DNA position 875, one base deleted (T; older notation c.875delT).
Protein change: p.Val291_Leu292insTer.
Molecular consequence: nonsense.
Genome position (GRCh38, 1-based): chr5:112,815,535, T deleted; the last of 4 consecutive T bases (chr5:112,815,532-112,815,535); deleting any one gives the same sequence. VCF-style (leftmost placement, unchanged base first): chr5-112815531-GT-G. GRCh37 (hg19) VCF-style: chr5-112151228-GT-G.
Other names: c.875del, p.Val291_Leu292insTer (NM_001127510.3, NM_001354895.2, NM_001354896.2 and 1 more transcripts); c.821del, p.Val273_Leu274insTer (NM_001127511.3); c.905del, p.Val301_Leu302insTer (NM_001354897.2, NM_001354902.2); c.800del, p.Val266_Leu267insTer (NM_001354898.2, NM_001354904.2); c.791del, p.Val263_Leu264insTer (NM_001354899.2); c.698del, p.Val232_Leu233insTer (NM_001354900.2, NM_001354901.2, NM_001354905.2); c.26del, p.Val8_Leu9insTer (NM_001354906.2).
Identifiers: ClinVar variation 856344 (VCV000856344.6), dbSNP rs1762417302, ClinGen allele CA916080339.

ClinVar aggregate classification (germline): Pathogenic. Review status: criteria provided, multiple submitters, no conflicts (2 of 4 stars). 2 submissions from 2 submitters: Pathogenic (2). Last evaluated 2023-11-14.

Conditions:
Familial adenomatous polyposis 1 (FAP1). Also called: FAMILIAL ADENOMATOUS POLYPOSIS 1, ATTENUATED; POLYPOSIS, ADENOMATOUS INTESTINAL. Identifiers: MedGen C2713442, MONDO:0021056, OMIM 175100. Disease mechanism: loss of function.

Submissions (2):

Labcorp Genetics (formerly Invitae), Labcorp
Classification: Pathogenic for Familial adenomatous polyposis 1. Last evaluated: 2023-11-14. Review status: criteria provided, single submitter. Criteria: Invitae Variant Classification Sherloc (09022015). Collection method: clinical testing. Allele origin: germline.
Comment: This sequence change creates a premature translational stop signal (p.Leu292*) in the APC gene. It is expected to result in an absent or disrupted protein product. Loss-of-function variants in APC are known to be pathogenic (PMID: 17963004, 20685668). This variant is not present in population databases (gnomAD no frequency). This variant has not been reported in the literature in individuals affected with APC-related conditions. ClinVar contains an entry for this variant (Variation ID: 856344). For these reasons, this variant has been classified as Pathogenic.

Myriad Genetics, Inc.
Classification: Pathogenic for Familial adenomatous polyposis 1. Last evaluated: 2023-04-27. Review status: criteria provided, single submitter. Criteria: Myriad Autosomal Dominant, Autosomal Recessive and X-Linked Classification Criteria (2023). Collection method: clinical testing. Allele origin: unknown.
Comment: This variant is considered pathogenic. This variant creates a termination codon and is predicted to result in premature protein truncation.

Literature cited by the submitters: PubMed 17963004 (cited by Labcorp Genetics (formerly Invitae), Labcorp); PubMed 20685668 (cited by Labcorp Genetics (formerly Invitae), Labcorp).